The following is an entry in ClinVar:

NM_001035.3(RYR2):c.2416G>C (p.Gly806Arg)

Gene: RYR2 (ryanodine receptor 2; plus strand). Cytogenetic location: 1q43.
Variant type: single nucleotide variant.
Coding change: c.2416G>C on transcript NM_001035.3 (MANE Select); coding-DNA position 2416, G replaced by C.
Protein change: p.Gly806Arg; replaces glycine 806 with arginine.
Molecular consequence: missense variant.
Genome position (GRCh38, 1-based): chr1:237,503,308, G>C. VCF-style: chr1-237503308-G-C. GRCh37 (hg19) VCF-style: chr1-237666608-G-C.
Other names: c.2416G>C (NM_001035.2); short protein forms G806R.
Identifiers: ClinVar variation 1013989 (VCV001013989.13), dbSNP rs1227019047, ClinGen allele CA345378684.

ClinVar aggregate classification (germline): Uncertain significance. Review status: criteria provided, multiple submitters, no conflicts (2 of 4 stars). 4 submissions from 4 submitters: Uncertain significance (4). Last evaluated 2024-12-13.

Conditions:
Catecholaminergic polymorphic ventricular tachycardia 1. Also called: VENTRICULAR TACHYCARDIA, STRESS-INDUCED POLYMORPHIC 1; VENTRICULAR TACHYCARDIA, CATECHOLAMINERGIC POLYMORPHIC, 1, WITH OR WITHOUT ATRIAL DYSFUNCTION AND/OR DILATED CARDIOMYOPATHY; RYR2-Related Catecholaminergic Polymorphic Ventricular Tachycardia. Identifiers: Orphanet 3286, MedGen C1631597, MONDO:0011484, OMIM 604772.
Catecholaminergic polymorphic ventricular tachycardia (CVPT). Also called: Catecholamine-induced polymorphic ventricular tachycardia. Identifiers: Orphanet 3286, MedGen C5574922, MONDO:0017990.
Arrhythmogenic right ventricular dysplasia 2. Identifiers: MedGen C1832931.
Ventricular arrhythmias due to cardiac ryanodine receptor calcium release deficiency syndrome. Also called: Autosomal dominant cardiac arrhythmia (Kuhn). Identifiers: MedGen C5542154, MONDO:0020745, OMIM 115000.

Allele frequency attached by ClinVar (database versions not stated): gnomAD exomes 0.00001.
gnomAD v4.1: 4 of 1,610,294 alleles (0.00025%); highest among the groups gnomAD compares: Non-Finnish European, 0.00034%; no homozygotes.

Submissions (4):

GeneDx
Classification: Uncertain significance. Last evaluated: 2024-12-13. Review status: criteria provided, single submitter. Criteria: GeneDx Variant Classification Process June 2021. Collection method: clinical testing. Allele origin: germline. Affected: yes.
Comment: Not observed at significant frequency in large population cohorts (gnomAD); In silico analysis supports that this missense variant has a deleterious effect on protein structure/function; Has not been previously published as pathogenic or benign to our knowledge; Not located in one of the three hot-spot regions of the RYR2 gene, where the majority of pathogenic missense variants occur (PMID: 19926015); This variant is associated with the following publications: (PMID: 19926015)

Labcorp Genetics (formerly Invitae), Labcorp
Classification: Uncertain significance for Catecholaminergic polymorphic ventricular tachycardia 1. Last evaluated: 2024-02-23. Review status: criteria provided, single submitter. Criteria: Invitae Variant Classification Sherloc (09022015). Collection method: clinical testing. Allele origin: germline.
Comment: This sequence change replaces glycine, which is neutral and non-polar, with arginine, which is basic and polar, at codon 806 of the RYR2 protein (p.Gly806Arg). This variant is present in population databases (no rsID available, gnomAD 0.0009%). This variant has not been reported in the literature in individuals affected with RYR2-related conditions. ClinVar contains an entry for this variant (Variation ID: 1013989). Advanced modeling of protein sequence and biophysical properties (such as structural, functional, and spatial information, amino acid conservation, physicochemical variation, residue mobility, and thermodynamic stability) has been performed at Invitae for this missense variant, however the output from this modeling did not meet the statistical confidence thresholds required to predict the impact of this variant on RYR2 protein function. In summary, the available evidence is currently insufficient to determine the role of this variant in disease. Therefore, it has been classified as a Variant of Uncertain Significance.

All of Us Research Program, National Institutes of Health
Classification: Uncertain significance for Catecholaminergic polymorphic ventricular tachycardia. Last evaluated: 2023-03-09. Review status: criteria provided, single submitter. Criteria: ACMG Guidelines, 2015. Collection method: clinical testing. Allele origin: germline. Inheritance: Autosomal dominant inheritance. Observed: 1 variant allele, 1 heterozygote.
Comment: This missense variant replaces glycine with arginine at codon 806 of the RYR2 protein. Computational prediction suggests that this variant may have deleterious impact on protein structure and function (internally defined REVEL score threshold >= 0.7, PMID: 27666373). To our knowledge, functional studies have not been reported for this variant. This variant has not been reported in individuals affected with RYR2-related disorders in the literature. This variant has been identified in 2/241956 chromosomes in the general population by the Genome Aggregation Database (gnomAD). The available evidence is insufficient to determine the role of this variant in disease conclusively. Therefore, this variant is classified as a Variant of Uncertain Significance.

This study involves interpretation of variants in research participants for the purpose of population health screening. Participant phenotype was not available at the time of variant classification. Additional details can be found in publication PMID: 35346344, PMCID: PMC8962531

Fulgent Genetics
Classification: Uncertain significance for Ventricular arrhythmias due to cardiac ryanodine receptor calcium release deficiency syndrome; Catecholaminergic polymorphic ventricular tachycardia 1. Last evaluated: 2021-09-01. Review status: criteria provided, single submitter. Criteria: ACMG Guidelines, 2015. Collection method: clinical testing. Allele origin: unknown.